The following is an entry in ClinVar:

ClinVar aggregate classification (germline): Uncertain significance (1 of 4 stars; one submission).

Conditions:
Axenfeld-Rieger syndrome type 3 (RIEG3). Also called: AXENFELD-RIEGER ANOMALY WITH CARDIAC DEFECTS AND/OR SENSORINEURAL HEARING LOSS. Identifiers: Orphanet 782, MedGen C2678503, MONDO:0011233, OMIM 602482.

Submission:

Labcorp Genetics (formerly Invitae), Labcorp
Classification: Uncertain significance for Axenfeld-Rieger syndrome type 3. Last evaluated: 2023-04-07. Review status: criteria provided, single submitter. Criteria: Invitae Variant Classification Sherloc (09022015). Collection method: clinical testing. Allele origin: germline.
Comment: This sequence change replaces lysine, which is basic and polar, with asparagine, which is neutral and polar, at codon 256 of the FOXC1 protein (p.Lys256Asn). This variant is not present in population databases (gnomAD no frequency). This variant has not been reported in the literature in individuals affected with FOXC1-related conditions. An algorithm developed to predict the effect of missense changes on protein structure and function (PolyPhen-2) suggests that this variant is likely to be disruptive. In summary, the available evidence is currently insufficient to determine the role of this variant in disease. Therefore, it has been classified as a Variant of Uncertain Significance.

NM_001453.3(FOXC1):c.768G>T (p.Lys256Asn)

Gene: FOXC1 (forkhead box C1; plus strand). Cytogenetic location: 6p25.3.
Variant type: single nucleotide variant.
Coding change: c.768G>T on transcript NM_001453.3 (MANE Select); coding-DNA position 768, G replaced by T.
Protein change: p.Lys256Asn; replaces lysine 256 with asparagine.
Molecular consequence: missense variant.
Genome position (GRCh38, 1-based): chr6:1,611,213, G>T. VCF-style: chr6-1611213-G-T. GRCh37 (hg19) VCF-style: chr6-1611448-G-T.
Other names: short protein forms K256N.
Identifiers: ClinVar variation 3013009 (VCV003013009.3), dbSNP rs1473542448, ClinGen allele CA362559525.